The following is an entry in ClinVar:

ClinVar aggregate classification (germline): Uncertain significance (1 of 4 stars; one submission).

Conditions:
Congenital contractural arachnodactyly (CCA). Also called: BEALS SYNDROME; Beals-Hecht syndrome; Arthrogryposis, distal, type 9. Identifiers: Orphanet 115, MedGen C0220668, MONDO:0007363, OMIM 121050.

Allele frequency attached by ClinVar (database versions not stated): TOPMed below 0.00001; gnomAD 0.00001.
gnomAD v4.1: 1 of 1,613,552 alleles (0.000062%); highest among the groups gnomAD compares: Non-Finnish European, 0.000085%; no homozygotes.

Submission:

Labcorp Genetics (formerly Invitae), Labcorp
Classification: Uncertain significance for Congenital contractural arachnodactyly. Last evaluated: 2023-08-16. Review status: criteria provided, single submitter. Criteria: Invitae Variant Classification Sherloc (09022015). Collection method: clinical testing. Allele origin: germline.
Comment: This variant is not present in population databases (gnomAD no frequency). In summary, the available evidence is currently insufficient to determine the role of this variant in disease. Therefore, it has been classified as a Variant of Uncertain Significance. Algorithms developed to predict the effect of sequence changes on RNA splicing suggest that this variant is not likely to affect RNA splicing. This variant has not been reported in the literature in individuals affected with FBN2-related conditions. This sequence change affects codon 112 of the FBN2 mRNA. It is a 'silent' change, meaning that it does not change the encoded amino acid sequence of the FBN2 protein. It affects a nucleotide within the consensus splice site.

NM_001999.4(FBN2):c.336C>T (p.Val112=)

Gene: FBN2 (fibrillin 2; minus strand). Cytogenetic location: 5q23.3.
Variant type: single nucleotide variant.
Coding change: c.336C>T on transcript NM_001999.4 (MANE Select); coding-DNA position 336, C replaced by T.
Protein change: p.Val112=; no amino-acid change (valine 112 retained).
Molecular consequence: synonymous variant.
Genome position (GRCh38, 1-based): chr5:128,536,403, G>A on the plus strand (C>T on the coding strand, the complement: FBN2 is on the minus strand). VCF-style: chr5-128536403-G-A. GRCh37 (hg19) VCF-style: chr5-127872096-G-A.
Identifiers: ClinVar variation 2782139 (VCV002782139.3), dbSNP rs1269124844, ClinGen allele CA446308721.